The following is an entry in ClinVar:

NM_000639.3(FASLG):c.419A>G (p.Lys140Arg)

Gene: FASLG (Fas ligand; plus strand). Cytogenetic location: 1q24.3.
Variant type: single nucleotide variant.
Coding change: c.419A>G on transcript NM_000639.3 (MANE Select); coding-DNA position 419, A replaced by G.
Protein change: p.Lys140Arg; replaces lysine 140 with arginine.
Molecular consequence: missense variant.
Genome position (GRCh38, 1-based): chr1:172,664,358, A>G. VCF-style: chr1-172664358-A-G. GRCh37 (hg19) VCF-style: chr1-172633498-A-G.
Other names: c.373A>G, p.Lys125Glu (NM_001302746.2); short protein forms K125E, K140R.
Identifiers: ClinVar variation 3603330 (VCV003603330.2).

ClinVar aggregate classification (germline): Uncertain significance (1 of 4 stars; one submission).

Conditions:
Autoimmune lymphoproliferative syndrome type 1. Also called: AUTOIMMUNE LYMPHOPROLIFERATIVE SYNDROME, TYPE I, AUTOSOMAL DOMINANT. Identifiers: Orphanet 3261, MedGen C2717884, MONDO:0011158, OMIM 601859.

Submission:

Labcorp Genetics (formerly Invitae), Labcorp
Classification: Uncertain significance for Autoimmune lymphoproliferative syndrome. Last evaluated: 2024-10-22. Review status: criteria provided, single submitter. Criteria: Invitae Variant Classification Sherloc (09022015). Collection method: clinical testing. Allele origin: germline.
Comment: This sequence change replaces lysine, which is basic and polar, with arginine, which is basic and polar, at codon 140 of the FASLG protein (p.Lys140Arg). This variant is not present in population databases (gnomAD no frequency). This variant has not been reported in the literature in individuals affected with FASLG-related conditions. Invitae Evidence Modeling of protein sequence and biophysical properties (such as structural, functional, and spatial information, amino acid conservation, physicochemical variation, residue mobility, and thermodynamic stability) indicates that this missense variant is not expected to disrupt FASLG protein function with a negative predictive value of 80%. In summary, the available evidence is currently insufficient to determine the role of this variant in disease. Therefore, it has been classified as a Variant of Uncertain Significance.